The following is an entry in ClinVar:

ClinVar aggregate classification (germline): Uncertain significance (1 of 4 stars; one submission).

Submission:

Labcorp Genetics (formerly Invitae), Labcorp
Classification: Uncertain significance. Last evaluated: 2024-07-31. Review status: criteria provided, single submitter. Criteria: Invitae Variant Classification Sherloc (09022015). Collection method: clinical testing. Allele origin: germline.
Comment: This variant, c.125_133dup, results in the insertion of 3 amino acid(s) of the SOX18 protein (p.Leu42_Ala44dup), but otherwise preserves the integrity of the reading frame. This variant is not present in population databases (gnomAD no frequency). This variant has not been reported in the literature in individuals affected with SOX18-related conditions. In summary, the available evidence is currently insufficient to determine the role of this variant in disease. Therefore, it has been classified as a Variant of Uncertain Significance.

NM_018419.3(SOX18):c.125_133dup (p.Ala44_Pro45insLeuAlaAla)

Gene: SOX18 (SRY-box transcription factor 18; minus strand). Cytogenetic location: 20q13.33.
Variant type: Duplication.
Coding change: c.125_133dup on transcript NM_018419.3 (MANE Select); coding-DNA positions 125 to 133, 9 bases duplicated (TCGCCGCGC; older notation c.125_133dupTCGCCGCGC).
Protein change: p.Ala44_Pro45insLeuAlaAla.
Molecular consequence: inframe insertion.
Genome position (GRCh38, 1-based): chr20:64,049,384-64,049,392, GCGCGGCGA duplicated on the plus strand (TCGCCGCGC on the coding strand, the reverse complement: SOX18 is on the minus strand); duplicating any 9 consecutive bases within chr20:64,049,384-64,049,393 gives the same sequence; the c. name uses the placement nearest the transcript's 3' end. VCF-style (leftmost placement, unchanged base first): chr20-64049383-G-GGCGCGGCGA. GRCh37 (hg19) VCF-style: chr20-62680736-G-GGCGCGGCGA.
Identifiers: ClinVar variation 3617626 (VCV003617626.2).
Genomic context (GRCh38, chr20:64,049,383, plus strand): 5'-CCCGGCTCGGGGCTGCGCGGGGGACTGCGCTGCGGGCTGGGCGGCGAGGCGGGCGCGGCG[G>GGCGCGGCGA]GCGCGGCGAGGGCGGCGGGGCCGGCGGCGAGGCCGCGCGTGTCAGCGGCGGCCCCGTGTC-3'